The following is an entry in ClinVar:

ClinVar aggregate classification (germline): Pathogenic. Review status: criteria provided, multiple submitters, no conflicts (2 of 4 stars). 5 submissions from 5 submitters: Pathogenic (4). 1 of the submissions does not count toward it. Last evaluated 2021-02-12.

Conditions:
Lissencephaly type 1 due to doublecortin gene mutation. Also called: LISSENCEPHALY, X-LINKED, 1; LISSENCEPHALY AND AGENESIS OF CORPUS CALLOSUM. Identifiers: Orphanet 2148, MedGen C4551968, MONDO:0010239, OMIM 300067.
Subcortical laminar heterotopia, X-linked (SCLH). Also called: Subcortical laminal heterotopia, X-linked. Identifiers: MedGen C1848070.

Submissions (5):

Labcorp Genetics (formerly Invitae), Labcorp
Classification: Pathogenic. Last evaluated: 2021-02-12. Review status: criteria provided, single submitter. Criteria: Invitae Variant Classification Sherloc (09022015). Collection method: clinical testing. Allele origin: germline.
Comment: This variant has been observed in individual(s) with clinical features of lissencephaly and subcortical band heterotopia (PMID: 9489700). For these reasons, this variant has been classified as Pathogenic. This variant is not present in population databases (ExAC no frequency). This sequence change creates a premature translational stop signal (p.Tyr229Hisfs*12) in the DCX gene. It is expected to result in an absent or disrupted protein product. Loss-of-function variants in DCX are known to be pathogenic (PMID: 11175293, 23365099).

GeneDx
Classification: Pathogenic. Last evaluated: 2021-02-05. Review status: criteria provided, single submitter. Criteria: GeneDx Variant Classification Process June 2021. Collection method: clinical testing. Allele origin: germline. Affected: yes.
Comment: Reported in the heterozygous state in a patient with double cortex syndrome (Gleeson et al., 1998); Frameshift variant predicted to result in protein truncation or nonsense mediated decay in a gene for which loss-of-function is a known mechanism of disease; Not observed in large population cohorts (Lek et al., 2016); This variant is associated with the following publications: (PMID: 9489700)

Genetic Services Laboratory, University of Chicago
Classification: Pathogenic for Lissencephaly, X-linked. Last evaluated: 2015-10-19. Review status: criteria provided, single submitter. Criteria: ACMG Guidelines, 2015. Collection method: clinical testing. Allele origin: germline. Affected: yes.

Lifecell International Pvt. Ltd
Classification: Pathogenic for Lissencephaly type 1 due to doublecortin gene mutation. Review status: criteria provided, single submitter. Criteria: ACMG Guidelines, 2015. Collection method: clinical testing. Allele origin: germline. Inheritance: X-linked inheritance. Affected: yes. Observed: 1 hemizygote.
Comment: A Hemizygote frameshift variant c.927_928delCT in Exon 3 of the DCX gene that results in the amino acid substitution p.Tyr310fs*12 was identified. The observed variant has a minor allele frequency of 0.00% in gnomAD exomes and genomes, respectively. The severity of the impact of this variant on the protein is high, based on the effect of the protein and REVEL score. Rare Exome Variant Ensemble Learner (REVEL) is an ensembl method for predicting the pathogenicity of missense variants based on a combination of scores from 13 individual tools: MutPred, FATHMM v2.3, VEST 3.0, PolyPhen-2, SIFT, PROVEAN, MutationAssessor, MutationTaster, LRT, GERP++, SiPhy, phyloP, and phastCons. The REVEL score for an individual missense variant can range from 0 to 1, with higher scores reflecting greater likelihood that the variant is disease-causing. ClinVar has also classified this variant as Pathogenic (Variation ID: 434900). Based on the above evidence this variant has been classified as Pathogenic according to the ACMG guidelines.

OMIM
Classification: Pathogenic for SUBCORTICAL LAMINAR HETEROTOPIA, X-LINKED. Last evaluated: 1998-01-09. Review status: no assertion criteria provided. Collection method: literature only. Allele origin: germline. Not counted in ClinVar's aggregate classification.

Literature cited by the submitters: PubMed 9489700 (cited by Labcorp Genetics (formerly Invitae), Labcorp and OMIM); PubMed 11175293 (cited by Labcorp Genetics (formerly Invitae), Labcorp); PubMed 23365099 (cited by Labcorp Genetics (formerly Invitae), Labcorp).

NM_001195553.2(DCX):c.684_685del (p.Tyr229fs)

Gene: DCX (doublecortin; minus strand). Cytogenetic location: Xq23.
Variant type: Microsatellite.
Coding change: c.684_685del on transcript NM_001195553.2 (MANE Select); coding-DNA positions 684 to 685, 2 bases deleted (CT; older notation c.684_685delCT).
Protein change: p.Tyr229fs; shifts the reading frame from tyrosine 229.
Molecular consequence: frameshift variant.
Genome position (GRCh38, 1-based): chrX:111,401,010-111,401,011, AG deleted on the plus strand (CT on the coding strand, the reverse complement: DCX is on the minus strand); deleting any 2 consecutive bases within chrX:111,401,010-111,401,013 gives the same sequence; the c. name uses the placement nearest the transcript's 3' end. VCF-style (leftmost placement, unchanged base first): chrX-111401009-TAG-T. GRCh37 (hg19) VCF-style: chrX-110644237-TAG-T.
Other names: c.927_928del, p.Tyr310fs (NM_000555.3); c.684_685del, p.Tyr229fs (NM_001369370.1, NM_001369371.1, NM_001369372.1 and 5 more transcripts); c.684_685del (NM_178151.2); c.927_928delCT (NM_000555.3); short protein forms Y229fs, Y310fs.
Identifiers: ClinVar variation 434900 (VCV000434900.17), dbSNP rs1556401744, ClinGen allele CA645373314.
Genomic context (GRCh38, chrX:111,401,009, plus strand): 5'-ATTTAGAAAAAACGGGAAAAGTACTTTGAAAAAGTACCTACCTGTTTTCCATCCAGAGTG[TAG>T]AGTTTTTTGACAACCCCGGTCTCCAGTTTGATGGCTTCTGTGATATCAGTGAGGACTTGC-3'